The following is an entry in ClinVar:

NM_020778.5(ALPK3):c.2398C>A (p.Leu800Ile)

Gene: ALPK3 (alpha kinase 3; plus strand). Cytogenetic location: 15q25.3.
Variant type: single nucleotide variant.
Coding change: c.2398C>A on transcript NM_020778.5 (MANE Select); coding-DNA position 2398, C replaced by A.
Protein change: p.Leu800Ile; replaces leucine 800 with isoleucine.
Molecular consequence: missense variant.
Genome position (GRCh38, 1-based): chr15:84,857,136, C>A. VCF-style: chr15-84857136-C-A. GRCh37 (hg19) VCF-style: chr15-85400367-C-A.
Other names: c.3004C>A (NM_020778.4); short protein forms L800I.
Identifiers: ClinVar variation 1718495 (VCV001718495.6), dbSNP rs141673424, ClinGen allele CA273624273.
Genomic context (GRCh38, chr15:84,857,136, plus strand): 5'-GTAACAGCCTCCAGGAACCATGAGCAAACTGTGCTGGGTCCCCTGTCAGGGAACCTCATG[C>A]TCCCAGCACAGCCGCCCCATGAGGGGAGTGTGGAGCAGGTGGGAGGAGAGAGATGCCGAG-3'
Protein context (NP_065829.4, residues 790-810): VLGPLSGNLM[Leu800Ile]PAQPPHEGSV

ClinVar aggregate classification (germline): Uncertain significance. Review status: criteria provided, multiple submitters, no conflicts (2 of 4 stars). 2 submissions from 2 submitters: Uncertain significance (2). Last evaluated 2026-05-26.

Conditions:
Cardiovascular phenotype. Identifiers: MedGen CN230736.

Allele frequency attached by ClinVar (database versions not stated): gnomAD 0.00001; ESP Exome Variant Server 0.00008.
gnomAD v4.1: 2 of 1,614,024 alleles (0.00012%); highest among the groups gnomAD compares: Non-Finnish European, 0.00017%; no homozygotes.

Submissions (2):

Ambry Genetics
Classification: Uncertain significance for Cardiovascular phenotype. Last evaluated: 2026-05-26. Review status: criteria provided, single submitter. Criteria: Ambry Variant Classification Scheme 2023. Collection method: clinical testing. Allele origin: germline.

Labcorp Genetics (formerly Invitae), Labcorp
Classification: Uncertain significance. Last evaluated: 2022-08-31. Review status: criteria provided, single submitter. Criteria: Invitae Variant Classification Sherloc (09022015). Collection method: clinical testing. Allele origin: germline.
Comment: In summary, the available evidence is currently insufficient to determine the role of this variant in disease. Therefore, it has been classified as a Variant of Uncertain Significance. Algorithms developed to predict the effect of missense changes on protein structure and function (SIFT, PolyPhen-2, Align-GVGD) all suggest that this variant is likely to be tolerated. This variant has not been reported in the literature in individuals affected with ALPK3-related conditions. This variant is not present in population databases (gnomAD no frequency). This sequence change replaces leucine, which is neutral and non-polar, with isoleucine, which is neutral and non-polar, at codon 1002 of the ALPK3 protein (p.Leu1002Ile).